The following is an entry in ClinVar:

ClinVar aggregate classification (germline): Benign. Review status: criteria provided, multiple submitters, no conflicts (2 of 4 stars). 11 submissions from 11 submitters: Benign (9). 2 of the submissions do not count toward it. Last evaluated 2026-02-04.

Conditions:
Cardiovascular phenotype. Identifiers: MedGen CN230736.
Brittle cornea syndrome 1 (BCS1). Also called: Corneal fragility keratoglobus, blue sclerae AND joint hypermobility; CORNEAL FRAGILITY, KERATOGLOBUS, BLUE SCLERAE, JOINT HYPEREXTENSIBILITY; DYSGENESIS MESODERMALIS CORNEAE ET SCLERAE; EDS6B; FRAGILITAS OCULI WITH JOINT HYPEREXTENSIBILITY. Identifiers: Orphanet 90354, MedGen C0268344, MONDO:0024543, OMIM 229200.

Allele frequency attached by ClinVar (database versions not stated): gnomAD 0.43642 and 0.44392; TOPMed 0.45476; 1000 Genomes Project 30x 0.46674; 1000 Genomes Project 0.47005; gnomAD exomes 0.50371; ExAC 0.53451.
gnomAD v4.1: 727,107 of 1,549,838 alleles (47%); highest among the groups gnomAD compares: South Asian, 60%; 172,902 homozygotes.

Submissions (11):

Labcorp Genetics (formerly Invitae), Labcorp
Classification: Benign. Last evaluated: 2026-02-04. Review status: criteria provided, single submitter. Criteria: Invitae Variant Classification Sherloc (09022015). Collection method: clinical testing. Allele origin: germline.

Women's Health and Genetics/Laboratory Corporation of America, LabCorp
Classification: Benign. Last evaluated: 2025-10-13. Review status: criteria provided, single submitter. Criteria: LabCorp Variant Classification Summary - May 2015. Collection method: clinical testing. Allele origin: germline.

Blueprint Genetics
Classification: Benign. Last evaluated: 2024-11-27. Review status: criteria provided, single submitter. Criteria: ACMG Guidelines, 2015. Collection method: clinical testing. Allele origin: germline.

Mayo Clinic Laboratories, Mayo Clinic
Classification: Benign. Last evaluated: 2022-04-26. Review status: criteria provided, single submitter. Criteria: ACMG Guidelines, 2015. Collection method: clinical testing. Allele origin: germline. Observed: 2,204 variant alleles.

Genome-Nilou Lab
Classification: Benign for Brittle cornea syndrome 1. Last evaluated: 2021-12-05. Review status: criteria provided, single submitter. Criteria: ACMG Guidelines, 2015. Collection method: clinical testing. Allele origin: germline. Affected: no.

Ambry Genetics
Classification: Benign for Cardiovascular phenotype. Last evaluated: 2018-12-11. Review status: criteria provided, single submitter. Criteria: Ambry Variant Classification Scheme 2023. Collection method: clinical testing. Allele origin: germline.

GeneDx
Classification: Benign. Last evaluated: 2016-09-28. Review status: criteria provided, single submitter. Criteria: GeneDx Variant Classification (06012015). Collection method: clinical testing. Allele origin: germline. Affected: yes.
Comment: This variant is considered likely benign or benign based on one or more of the following criteria: it is a conservative change, it occurs at a poorly conserved position in the protein, it is predicted to be benign by multiple in silico algorithms, and/or has population frequency not consistent with disease.

Eurofins Ntd Llc (ga)
Classification: Benign. Last evaluated: 2016-06-24. Review status: criteria provided, single submitter. Criteria: EGL Classification Definitions 2015. Collection method: clinical testing. Allele origin: germline. Observed: 1 variant allele, 1 heterozygote.

Breakthrough Genomics
Classification: Benign. Review status: criteria provided, single submitter. Criteria: ACMG Guidelines, 2015. Collection method: not provided. Allele origin: germline. Inheritance: Autosomal recessive inheritance. Affected: yes.

Genome Diagnostics Laboratory, Amsterdam University Medical Center
Classification: Benign for Brittle cornea syndrome 1. Last evaluated: 2016-01-15. Review status: no assertion criteria provided. Criteria: ACGS Guidelines, 2013. Collection method: clinical testing. Allele origin: germline. Affected: yes. Study: VKGL Data-share Consensus. Not counted in ClinVar's aggregate classification.

Diagnostic Laboratory, Department of Genetics, University Medical Center Groningen
Classification: Benign for Brittle cornea syndrome 1. Review status: no assertion criteria provided. Collection method: clinical testing. Allele origin: germline. Affected: yes. Study: VKGL Data-share Consensus. Not counted in ClinVar's aggregate classification.

NM_001367624.2(ZNF469):c.8604C>T (p.Arg2868=)

Gene: ZNF469 (zinc finger protein 469; plus strand). Cytogenetic location: 16q24.2.
Variant type: single nucleotide variant.
Coding change: c.8604C>T on transcript NM_001367624.2 (MANE Select); coding-DNA position 8604, C replaced by T.
Protein change: p.Arg2868=; no amino-acid change (arginine 2868 retained).
Molecular consequence: synonymous variant.
Genome position (GRCh38, 1-based): chr16:88,436,074, C>T. VCF-style: chr16-88436074-C-T. GRCh37 (hg19) VCF-style: chr16-88502482-C-T.
Other names: NM_001127464.1:c.8520C>T; p.Arg2868=.
Identifiers: ClinVar variation 288513 (VCV000288513.24), dbSNP rs3812953, ClinGen allele CA8225346.